The following is an entry in ClinVar:

ClinVar aggregate classification (germline): Pathogenic (1 of 4 stars; one submission).

Conditions:
Cardiovascular phenotype. Identifiers: MedGen CN230736.
Hereditary cancer-predisposing syndrome. Also called: Neoplastic Syndromes, Hereditary; Tumor predisposition; Hereditary Cancer Syndrome; Hereditary neoplastic syndrome. Identifiers: Orphanet 140162, MedGen C0027672, MeSH D009386, MONDO:0015356.

Submission:

Ambry Genetics
Classification: Pathogenic for Cardiovascular phenotype; Hereditary cancer-predisposing syndrome. Last evaluated: 2026-04-02. Review status: criteria provided, single submitter. Criteria: Ambry Variant Classification Scheme 2023. Collection method: clinical testing. Allele origin: germline.
Comment: The c.3354delT pathogenic mutation, located in coding exon 26 of the NF1 gene, results from a deletion of one nucleotide at nucleotide position 3354, causing a translational frameshift with a predicted alternate stop codon (p.S1118Rfs*24). This variant was reported in individual(s) with features consistent with Neurofibromatosis type I (Ambry internal data). This variant is considered to be rare based on population cohorts in the Genome Aggregation Database (gnomAD). This alteration is expected to result in loss of function by premature protein truncation or nonsense-mediated mRNA decay. As such, this alteration is interpreted as a disease-causing mutation.

NM_001042492.3(NF1):c.3354del (p.Ser1118fs)

Gene: NF1 (neurofibromin 1; plus strand). Cytogenetic location: 17q11.2.
Variant type: Deletion.
Coding change: c.3354del on transcript NM_001042492.3 (MANE Select); coding-DNA position 3354, one base deleted (T; older notation c.3354delT).
Protein change: p.Ser1118fs; shifts the reading frame from serine 1118.
Molecular consequence: frameshift variant.
Genome position (GRCh38, 1-based): chr17:31,232,739, T deleted. VCF-style (leftmost placement, unchanged base first): chr17-31232738-GT-G. GRCh37 (hg19) VCF-style: chr17-29559756-GT-G.
Other names: c.3354del, p.Ser1118fs (NM_000267.4); short protein forms S1118fs.
Identifiers: ClinVar variation 4860897 (VCV004860897.1).
Genomic context (GRCh38, chr17:31,232,738, plus strand): 5'-GGTCAGTCTTTTTATTTCTCAGATACTTCACATTATTTATGAACCTTTTGAATGACTGCA[GT>G]GAAGTTGAAGATGAAAGTGCGCAAACAGGTGGCAGGAAACGTGGCATGTCTCGGAGGCTG-3'